The following is an entry in ClinVar:

ClinVar aggregate classification (germline): Likely pathogenic (0 of 4 stars; one submission).

Conditions:
PPP2CA-related disorder. Also called: PPP2CA-related condition.

Submission:

PreventionGenetics, part of Exact Sciences
Classification: Likely pathogenic for PPP2CA-related condition. Last evaluated: 2024-09-09. Review status: no assertion criteria provided. Collection method: clinical testing. Allele origin: germline.
Comment: The PPP2CA c.654C>A variant is predicted to result in premature protein termination (p.Tyr218*). To our knowledge, this variant has not been reported in the literature or in a large population database, indicating this variant is rare. Nonsense variants in PPP2CA are expected to be pathogenic. This variant is interpreted as likely pathogenic.

NM_002715.4(PPP2CA):c.654C>A (p.Tyr218Ter)

Gene: PPP2CA (protein phosphatase 2 catalytic subunit alpha; minus strand). Cytogenetic location: 5q31.1.
Variant type: single nucleotide variant.
Coding change: c.654C>A on transcript NM_002715.4 (MANE Select); coding-DNA position 654, C replaced by A.
Protein change: p.Tyr218Ter; replaces tyrosine 218 with a stop codon.
Molecular consequence: nonsense. On other transcripts: non-coding transcript variant (1).
Genome position (GRCh38, 1-based): chr5:134,200,419, G>T on the plus strand (C>A on the coding strand, the complement: PPP2CA is on the minus strand). VCF-style: chr5-134200419-G-T. GRCh37 (hg19) VCF-style: chr5-133536110-G-T.
Other names: c.459C>A, p.Tyr153Ter (NM_001355019.2); short protein forms Y153*, Y218*.
Identifiers: ClinVar variation 2633346 (VCV002633346.2), dbSNP rs972959777, ClinGen allele CA360999156.